The following is an entry in ClinVar:

ClinVar aggregate classification (germline): Pathogenic (1 of 4 stars; one submission).

Conditions:
Cardiovascular phenotype. Identifiers: MedGen CN230736.

Submission:

Ambry Genetics
Classification: Pathogenic for Cardiovascular phenotype. Last evaluated: 2020-12-23. Review status: criteria provided, single submitter. Criteria: Ambry Variant Classification Scheme 2023. Collection method: clinical testing. Allele origin: germline.
Comment: The p.E82* variant (also known as c.244G>T), located in coding exon 1 of the LMNA gene, results from a G to T substitution at nucleotide position 244. This changes the amino acid from a glutamic acid to a stop codon within coding exon 1. This alteration is expected to result in loss of function by premature protein truncation or nonsense-mediated mRNA decay. As such, this alteration is interpreted as a disease-causing mutation.

NM_170707.4(LMNA):c.244G>T (p.Glu82Ter)

Gene: LMNA (lamin A/C; plus strand). Cytogenetic location: 1q22.
Variant type: single nucleotide variant.
Coding change: c.244G>T on transcript NM_170707.4 (MANE Select); coding-DNA position 244, G replaced by T.
Protein change: p.Glu82Ter; replaces glutamic acid 82 with a stop codon.
Molecular consequence: nonsense.
Genome position (GRCh38, 1-based): chr1:156,115,162, G>T. VCF-style: chr1-156115162-G-T. GRCh37 (hg19) VCF-style: chr1-156084953-G-T.
Other names: c.244G>T, p.Glu82Ter (NM_001282625.2, NM_001282626.2, NM_001406983.1 and 6 more transcripts); c.-180G>T (NM_001406986.1); c.-158G>T (NM_001406990.1, NM_001406995.1, NM_001407002.1); c.-421G>T (NM_001406994.1, NM_001407000.1); c.-601G>T (NM_001406999.1); c.-264G>T (NM_001407001.1); short protein forms E82*.
Identifiers: ClinVar variation 1791472 (VCV001791472.2), dbSNP rs59270054, ClinGen allele CA342808415.